The following is an entry in ClinVar:

NM_024652.6(LRRK1):c.3072C>G (p.Pro1024=)

Genes: LRRK1 (leucine rich repeat kinase 1; plus strand), LRRK1-AS1 (LRRK1 antisense RNA 1; minus strand). Cytogenetic location: 15q26.3.
Variant type: single nucleotide variant.
Coding change: c.3072C>G on transcript NM_024652.6 (MANE Select); coding-DNA position 3072, C replaced by G.
Protein change: p.Pro1024=; no amino-acid change (proline 1024 retained).
Molecular consequence: synonymous variant.
Genome position (GRCh38, 1-based): chr15:101,046,089, C>G. VCF-style: chr15-101046089-C-G. GRCh37 (hg19) VCF-style: chr15-101586294-C-G.
Other names: c.3072C>G (NM_024652.5).
Identifiers: ClinVar variation 1621343 (VCV001621343.33), dbSNP rs143276193, ClinGen allele CA7761426.

ClinVar aggregate classification (germline): Benign/Likely benign. Review status: criteria provided, multiple submitters, no conflicts (2 of 4 stars). 3 submissions from 3 submitters: Benign (1); Likely benign (1). 1 of the submissions does not count toward it. Last evaluated 2025-10-17.

Conditions:
LRRK1-related disorder. Also called: LRRK1-related condition.

Allele frequency attached by ClinVar (database versions not stated): gnomAD exomes 0.00042; ExAC 0.00053; 1000 Genomes Project 30x 0.00203; ESP Exome Variant Server 0.00209; 1000 Genomes Project 0.00220.
gnomAD v4.1: 511 of 1,614,246 alleles (0.032%); highest among the groups gnomAD compares: African/African-American, 0.63%; 1 homozygote.

Submissions (3):

Labcorp Genetics (formerly Invitae), Labcorp
Classification: Benign. Last evaluated: 2025-10-17. Review status: criteria provided, single submitter. Criteria: Invitae Variant Classification Sherloc (09022015). Collection method: clinical testing. Allele origin: germline.

CeGaT Center for Human Genetics Tuebingen
Classification: Likely benign. Last evaluated: 2022-12-01. Review status: criteria provided, single submitter. Criteria: CeGaT Center For Human Genetics Tuebingen Variant Classification Criteria Version 2. Collection method: clinical testing. Allele origin: germline. Affected: yes. Observed: 1 variant allele.
Comment: LRRK1: BP4, BP7

PreventionGenetics, part of Exact Sciences
Classification: Likely benign for LRRK1-related condition. Last evaluated: 2019-10-28. Review status: no assertion criteria provided. Collection method: clinical testing. Allele origin: germline. Not counted in ClinVar's aggregate classification.
Comment: This variant is classified as likely benign based on ACMG/AMP sequence variant interpretation guidelines (Richards et al. 2015 PMID: 25741868, with internal and published modifications).